The following is an entry in ClinVar:

NM_007294.4(BRCA1):c.179A>G (p.Gln60Arg)

Gene: BRCA1 (BRCA1 DNA repair associated; minus strand). Cytogenetic location: 17q21.31.
Variant type: single nucleotide variant.
Coding change: c.179A>G on transcript NM_007294.4 (MANE Select); coding-DNA position 179, A replaced by G.
Protein change: p.Gln60Arg; replaces glutamine 60 with arginine.
Molecular consequence: missense variant. On other transcripts: non-coding transcript variant (1).
Genome position (GRCh38, 1-based): chr17:43,106,489, T>C on the plus strand (A>G on the coding strand, the complement: BRCA1 is on the minus strand). VCF-style: chr17-43106489-T-C. GRCh37 (hg19) VCF-style: chr17-41258506-T-C.
Other names: c.-10A>G (NM_001407571.1, NM_001407853.1, NM_001407879.1 and 58 more transcripts); c.179A>G, p.Gln60Arg (NM_001407581.1, NM_001407582.1, NM_001407583.1 and 168 more transcripts); c.38A>G, p.Gln13Arg (NM_001407692.1, NM_001407694.1, NM_001407695.1 and 99 more transcripts); short protein forms Q60R, Q13R.
Identifiers: ClinVar variation 141093 (VCV000141093.31), dbSNP rs373655067, ClinGen allele CA001168.

ClinVar aggregate classification (germline): Conflicting classifications of pathogenicity. Review status: criteria provided, conflicting classifications (1 of 4 stars). 9 submissions from 9 submitters: Uncertain significance (6); Likely benign (3). Last evaluated 2026-02-04.

Conditions:
Hereditary cancer-predisposing syndrome. Also called: Tumor predisposition; Hereditary neoplastic syndrome; Hereditary Cancer Syndrome; Neoplastic Syndromes, Hereditary. Identifiers: Orphanet 140162, MedGen C0027672, MeSH D009386, MONDO:0015356.
Hereditary breast ovarian cancer syndrome. Also called: Hereditary breast and/or ovarian cancer syndrome; Breast and ovarian cancer; Hereditary breast and ovarian cancer syndrome; Hereditary breast and ovarian cancer; Hereditary breast and ovarian cancer syndrome (HBOC); BRCA1- and BRCA2-Associated Hereditary Breast and Ovarian Cancer. Identifiers: Orphanet 145, MedGen C0677776, MeSH D061325, MONDO:0003582. Disease mechanism: loss of function.
Breast-ovarian cancer, familial, susceptibility to, 1 (BROVCA1). Also called: BRCA1 Hereditary Breast and Ovarian Cancer; OVARIAN CANCER, SUSCEPTIBILITY TO. Identifiers: Orphanet 145, MedGen C2676676, MONDO:0011450, OMIM 604370. Disease mechanism: loss of function.

Allele frequency attached by ClinVar (database versions not stated): TOPMed below 0.00001; ExAC 0.00001; gnomAD 0.00003; ESP Exome Variant Server 0.00008.
gnomAD v4.1: 4 of 1,604,960 alleles (0.00025%); highest among the groups gnomAD compares: African/African-American, 0.0027%; no homozygotes.

Submissions (10):

Labcorp Genetics (formerly Invitae), Labcorp
Classification: Uncertain significance for Hereditary breast ovarian cancer syndrome. Last evaluated: 2026-02-04. Review status: criteria provided, single submitter. Criteria: Invitae Variant Classification Sherloc (09022015). Collection method: clinical testing. Allele origin: germline.
Comment: This sequence change replaces glutamine, which is neutral and polar, with arginine, which is basic and polar, at codon 60 of the BRCA1 protein (p.Gln60Arg). This variant is present in population databases (rs373655067, gnomAD 0.008%). This missense change has been observed in individual(s) with breast cancer (PMID: 18284688, 35264596, 35534704). ClinVar contains an entry for this variant (Variation ID: 141093). Invitae Evidence Modeling incorporating data from in vitro experimental studies (PMID: 30209399) indicates that this missense variant is not expected to disrupt BRCA1 function with a negative predictive value of 95%. Experimental studies are conflicting or provide insufficient evidence to determine the effect of this variant on BRCA1 function (PMID: 25823446, 30209399). In summary, the available evidence is currently insufficient to determine the role of this variant in disease. Therefore, it has been classified as a Variant of Uncertain Significance.

Dasa
Classification: Uncertain significance for Breast-ovarian cancer, familial, susceptibility to, 1. Last evaluated: 2025-10-04. Review status: criteria provided, single submitter. Criteria: DASA Assertion Criteria. Collection method: clinical testing. Allele origin: germline.
Comment: NM_007294.4(BRCA1):c.179A>G (p.Gln60Arg) is a missense variant that results in the substitution of glutamine with arginine. Functional evidence supports an impact on the gene or gene product (PMID: 30209399; PMID: 35264596). Also, this variant is rare in population databases. The currently available literature and clinical evidence are not sufficient to establish a definitive association between this variant and the reported condition. Therefore, this variant is classified as a variant of uncertain significance.

Women's Health and Genetics/Laboratory Corporation of America, LabCorp
Classification: Likely benign. Last evaluated: 2025-05-30. Review status: criteria provided, single submitter. Criteria: LabCorp Variant Classification Summary - May 2015. Collection method: clinical testing. Allele origin: germline.
Comment: Variant summary: BRCA1 c.179A>G (p.Gln60Arg) results in a conservative amino acid change in the encoded protein sequence. The variant allele was found at a frequency of 8e-06 in 250812 control chromosomes. The available data on variant occurrences in the general population are insufficient to allow any conclusion about variant significance. c.179A>G has been observed in the presumed heterozygous state in individual(s) affected with Hereditary Breast And Ovarian Cancer Syndrome (example, Lee_2008, Guindalini_2022, deOliveria_2022), without strong evidence for causality. These report(s) do not provide unequivocal conclusions about association of the variant with Hereditary Breast And Ovarian Cancer Syndrome. At least one functional study reports experimental evidence evaluating an impact on protein function and showed no damaging effect of this variant on homology directed repair (HDR) activity (e.g. Findlay_2018). HDR assays qualify as a recognized gold standard on the basis of updated guidance provided by the ClinGen Sequence Variant Interpretation (SVI) working group. Another study suggested this variant is benign based on Bayesian analysis (example, Clark_2022). The following publications have been ascertained in the context of this evaluation (PMID: 35659930, 30209399, 35264596, 18284688, 35534704). ClinVar contains an entry for this variant (Variation ID: 141093). Based on the evidence outlined above, the variant was classified as likely benign.

Ambry Genetics
Classification: Likely benign for Hereditary cancer-predisposing syndrome. Last evaluated: 2024-10-02. Review status: criteria provided, single submitter. Criteria: Ambry Variant Classification Scheme 2023. Collection method: clinical testing. Allele origin: germline.

Lupski Lab, Baylor-Hopkins CMG, Baylor College of Medicine
Classification: Likely benign for Breast-ovarian cancer, familial, susceptibility to, 1. Last evaluated: 2024-04-12. Review status: criteria provided, single submitter. Criteria: Dawood et al. (medRxiv. 2024). Collection method: curation. Allele origin: germline.
Comment: Each variant was annotated with functional scores from MAVE data which was translated into functional evidence codes. All other evidence codes and combining criteria were adhered to as closely as possible based on the ClinGen VCEP (Variant Curation Expert Panel) gene-specific recommendations. See Supplemental Figure 34 of final paper (Supp Fig. 28 in preprint: doi:10.1101/2024.04.11.24305690) for a table to see which lines of evidence we did not have data for. The ClinGen VCEPs are highly regarded as the gold-standard for gene-specific variant curation and are developed after extensive evaluation of the evidence by clinical and scientific experts for the particular gene to classify genomic variants on a spectrum from pathogenic to benign using the 2015 ACMG/AMP Variant Interpretation Guidelines as a backbone (PMID: 25741868). Reclassification of these VUS variants from gnomAD or All of Us focused only on variants originally prescribed as VUS in ClinVar. To ensure reproducibility, transparency, and increased throughput, all the procedures for annotating variants and assigning evidence codes were codified using Python. All code has been made freely available and is linked in the Code Availability section and all reclassified variants with evidence codes used can be found in Tables S18-19 (preprint: doi:10.1101/2024.04.11.24305690). For the MAVE data, the clinical curation and clinical strength assignment as per the ClinGen recommendations in Brnich et al. (2020) (PMID: 31892348) for or against pathogenicity or benignity of each of these MAVE datasets utilized in this study were previously published in Fayer et al. (2021) (PMID: 34793697).In brief, for BRCA1 variants, if a variant was categorized as FUNC (functional), it was assigned BS3 evidence and no PS3 evidence, whereas if it was categorized as LOF (loss of function), the variant was assigned PS3 evidence and no BS3 evidence. Variants categorized as INT (intermediate) were left unannotated. For the BRCA1 combining criteria, greater than or equal to 1 criteria of strong benign evidence was enough to reclassify the VUS as Likely Benign. This variant GRCh38:17:43106489:T>C was assigned evidence codes ['BS3'] and an overall classification of Likely benign

All of Us Research Program, National Institutes of Health
Classification: Uncertain significance for Breast-ovarian cancer, familial, susceptibility to, 1. Last evaluated: 2023-12-01. Review status: criteria provided, single submitter. Criteria: ACMG Guidelines, 2015. Collection method: clinical testing. Allele origin: germline. Inheritance: Autosomal dominant inheritance. Observed: 2 variant alleles, 2 heterozygotes.
Comment: This missense variant replaces glutamine with arginine at codon 60 of the BRCA1 protein. Computational prediction is inconclusive regarding the impact of this variant on protein structure and function (internally defined REVEL score threshold 0.5 < inconclusive < 0.7, PMID: 27666373). Functional studies have reported that this variant does not impact BRCA1 function in BARD1 binding and haploid cell proliferation assays and is at least partially functional in a ubiquitin E3 ligase assay (PMID: 25823446, 30209399). This variant has been reported in an individual affected with breast cancer (PMID: 18284688) and in a breast cancer case-control meta-analysis in 1/60466 cases and 1/53461 unaffected individuals (PMID: 33471991; Leiden Open Variation Database DB-ID BRCA1_001729). This variant has been identified in 3/282216 chromosomes in the general population by the Genome Aggregation Database (gnomAD). The available evidence is insufficient to determine the role of this variant in disease conclusively. Therefore, this variant is classified as a Variant of Uncertain Significance.

This study involves interpretation of variants in research participants for the purpose of population health screening. Participant phenotype was not available at the time of variant classification. Additional details can be found in publication PMID: 35346344, PMCID: PMC8962531

Color Diagnostics, LLC DBA Color Health
Classification: Uncertain significance for Hereditary cancer-predisposing syndrome. Last evaluated: 2023-02-28. Review status: criteria provided, single submitter. Criteria: ACMG Guidelines, 2015. Collection method: clinical testing. Allele origin: germline.
Comment: This missense variant replaces glutamine with arginine at codon 60 of the BRCA1 protein. Computational prediction is inconclusive regarding the impact of this variant on protein structure and function (internally defined REVEL score threshold 0.5 < inconclusive < 0.7, PMID: 27666373). Functional studies have reported that this variant does not impact BRCA1 function in BARD1 binding and haploid cell proliferation assays and is at least partially functional in a ubiquitin E3 ligase assay (PMID: 25823446, 30209399). This variant has been reported in an individual affected with breast cancer (PMID: 18284688) and in a breast cancer case-control meta-analysis in 1/60466 cases and 1/53461 unaffected individuals (PMID: 33471991; Leiden Open Variation Database DB-ID BRCA1_001729). This variant has been identified in 3/282216 chromosomes in the general population by the Genome Aggregation Database (gnomAD). The available evidence is insufficient to determine the role of this variant in disease conclusively. Therefore, this variant is classified as a Variant of Uncertain Significance.

Mendelics
Classification: Uncertain significance for Hereditary breast and ovarian cancer syndrome. Last evaluated: 2018-07-02. Review status: criteria provided, single submitter. Criteria: Mendelics Assertion Criteria 2017. Collection method: clinical testing. Allele origin: unknown.

Quest Diagnostics Nichols Institute San Juan Capistrano
Classification: Uncertain significance. Last evaluated: 2016-10-10. Review status: criteria provided, single submitter. Criteria: Quest Diagnostics criteria. Collection method: clinical testing. Allele origin: germline.

Brotman Baty Institute, University of Washington
No classification provided (evidence only). Condition: Breast-ovarian cancer, familial 1. Review status: no classification provided. Collection method: in vitro. Allele origin: not applicable. Functional consequence: functionally_normal. Not counted in ClinVar's aggregate classification.
ClinVar note: "not provided" was previously submitted as the classification for the variant. However, the classification appeared to be based only on an observation of functional data so it was converted to no classification on 2025-07-30.

Literature cited by the submitters: PubMed 18284688 (cited by 5 submitters); PubMed 35264596 (cited by 4 submitters); PubMed 35534704 (cited by Labcorp Genetics (formerly Invitae), Labcorp and Women's Health and Genetics/Laboratory Corporation of America, LabCorp); PubMed 30209399 (cited by 6 submitters); PubMed 25823446 (cited by 5 submitters); PubMed 35659930 (cited by Women's Health and Genetics/Laboratory Corporation of America, LabCorp); PubMed 39142283 (cited by Lupski Lab, Baylor-Hopkins CMG, Baylor College of Medicine); PubMed 34793697 (cited by Lupski Lab, Baylor-Hopkins CMG, Baylor College of Medicine); DOI 10.1101/2024.04.11.24305690 (cited by Lupski Lab, Baylor-Hopkins CMG, Baylor College of Medicine); PubMed 33471991 (cited by All of Us Research Program, National Institutes of Health and Color Diagnostics, LLC DBA Color Health); PubMed 24728327 (cited by Quest Diagnostics Nichols Institute San Juan Capistrano); PubMed 26295337 (cited by Quest Diagnostics Nichols Institute San Juan Capistrano).